The following is an entry in ClinVar:

ClinVar aggregate classification (germline): Likely pathogenic (1 of 4 stars; one submission).

Submission:

Labcorp Genetics (formerly Invitae), Labcorp
Classification: Likely pathogenic. Last evaluated: 2021-08-12. Review status: criteria provided, single submitter. Criteria: Invitae Variant Classification Sherloc (09022015). Collection method: clinical testing. Allele origin: germline.
Comment: This variant results in a copy number gain of the genomic region encompassing exon(s) 3-15 of the TPO gene. While the exact position of this variant cannot be determined from the data, sub-genic copy number gains are generally in tandem (PMID: 25640679). This variant is predicted to be out-of-frame, and may result in an absent or disrupted protein product. Loss-of-function variants in TPO are known to be pathogenic (PMID: 11061528, 23236987, 25564141). This variant has not been reported in the literature in individuals affected with TPO-related conditions. In summary, the currently available evidence indicates that the variant is pathogenic, but additional data are needed to prove that conclusively. Therefore, this variant has been classified as Likely Pathogenic.

Literature cited by the submitters: PubMed 25640679; PubMed 11061528; PubMed 23236987; PubMed 25564141.

NC_000002.11:g.(?_1426817)_(1520754_?)dup

Gene: TPO (thyroid peroxidase; plus strand). Cytogenetic location: 2p25.3.
Variant type: Duplication.
Identifiers: ClinVar variation 1512087 (VCV001512087.5).